The following is an entry in ClinVar:

ClinVar aggregate classification (germline): Pathogenic (1 of 4 stars; one submission).

Conditions:
Glycogen storage disease, type VII (GSD7). Also called: GSD VII; MUSCLE PHOSPHOFRUCTOKINASE DEFICIENCY; PFKM DEFICIENCY; TARUI DISEASE. Identifiers: Orphanet 371, MedGen C0017926, MONDO:0009295, OMIM 232800.

Submission:

Myriad Genetics, Inc.
Classification: Pathogenic for Glycogen storage disease, type VII. Last evaluated: 2024-05-14. Review status: criteria provided, single submitter. Criteria: Myriad Autosomal Dominant, Autosomal Recessive and X-Linked Classification Criteria (2023). Collection method: clinical testing. Allele origin: unknown.
Comment: NM_001166686.1(PFKM):c.505_506ins16(R169Hfs*27) is expected to be pathogenic in the context of glycogen storage disease, PFKM-related. This variant is predicted to lead to an abnormal or absent protein product due to the creation of a premature termination codon in PFKM, a gene where loss-of-function variants are known to be pathogenic. Please note: this variant was assessed in the context of healthy population screening.

NM_000289.6(PFKM):c.292_293insATGTGTATAAGAGACA (p.Arg98fs)

Gene: PFKM (phosphofructokinase, muscle; plus strand). Cytogenetic location: 12q13.11.
Variant type: Insertion.
Coding change: c.292_293insATGTGTATAAGAGACA on transcript NM_000289.6 (MANE Select); coding-DNA positions 292 to 293, ATGTGTATAAGAGACA inserted.
Protein change: p.Arg98fs; shifts the reading frame from arginine 98.
Molecular consequence: frameshift variant. On other transcripts: non-coding transcript variant (6).
Genome position: GRCh38 VCF-style: chr12-48132922-C-CATGTGTATAAGAGACA. GRCh37 (hg19) VCF-style: chr12-48526705-C-CATGTGTATAAGAGACA.
Other names: c.505_506insATGTGTATAAGAGACA, p.Arg169fs (NM_001166686.2, NM_001354737.1, NM_001354738.1 and 2 more transcripts); c.292_293insATGTGTATAAGAGACA, p.Arg98fs (NM_001166687.2, NM_001166688.2, NM_001354742.2 and 4 more transcripts); c.601_602insATGTGTATAAGAGACA, p.Arg201fs (NM_001354735.1, NM_001354736.1); c.436_437insATGTGTATAAGAGACA, p.Arg146fs (NM_001354740.1); c.316_317insATGTGTATAAGAGACA, p.Arg106fs (NM_001354741.2); c.205_206insATGTGTATAAGAGACA, p.Arg69fs (NM_001354745.2); c.142_143insATGTGTATAAGAGACA, p.Arg48fs (NM_001354747.2, NM_001354748.2); short protein forms R106fs, R146fs, R169fs, R201fs, R48fs, R69fs, R98fs.
Identifiers: ClinVar variation 5010955 (VCV005010955.1).